The following is an entry in ClinVar:

ClinVar aggregate classification (germline): Uncertain significance (1 of 4 stars; one submission).

Conditions:
Hereditary cancer-predisposing syndrome. Also called: Tumor predisposition; Hereditary Cancer Syndrome; Hereditary neoplastic syndrome; Neoplastic Syndromes, Hereditary. Identifiers: Orphanet 140162, MedGen C0027672, MeSH D009386, MONDO:0015356.

Submission:

Ambry Genetics
Classification: Uncertain significance for Hereditary cancer-predisposing syndrome. Last evaluated: 2026-02-11. Review status: criteria provided, single submitter. Criteria: Ambry Variant Classification Scheme 2023. Collection method: clinical testing. Allele origin: germline.
Comment: The c.921-5T>G intronic variant results from a T to G substitution 5 nucleotides upstream from coding exon 8 in the STK11 gene. This nucleotide position is not well conserved in available vertebrate species. In silico splice site analysis predicts that this alteration may result in the creation or strengthening of a novel splice acceptor site. Based on the available evidence, the clinical significance of this variant remains unclear.

NM_000455.5(STK11):c.921-5T>G

Gene: STK11 (serine/threonine kinase 11; plus strand). Cytogenetic location: 19p13.3.
Variant type: single nucleotide variant.
Coding change: c.921-5T>G on transcript NM_000455.5 (MANE Select); 5 bases into the intron before coding-DNA position 921, T replaced by G.
Molecular consequence: intron variant.
Genome position (GRCh38, 1-based): chr19:1,222,980, T>G. VCF-style: chr19-1222980-T-G. GRCh37 (hg19) VCF-style: chr19-1222979-T-G.
Identifiers: ClinVar variation 1766212 (VCV001766212.3), dbSNP rs2145430591, ClinGen allele CA2580096136.